The following is an entry in ClinVar:

ClinVar aggregate classification (germline): Uncertain significance (1 of 4 stars; one submission).

Conditions:
Charcot-Marie-Tooth disease type 2R. Also called: CHARCOT-MARIE-TOOTH DISEASE, AXONAL, AUTOSOMAL RECESSIVE, TYPE 2R; Charcot-Marie-Tooth disease, axonal, type 2R; CHARCOT-MARIE-TOOTH NEUROPATHY, TYPE 2R. Identifiers: Orphanet 397968, MedGen C3809655, MONDO:0014208, OMIM 615490.

Allele frequency attached by ClinVar (database versions not stated): ExAC 0.00001; gnomAD exomes 0.00001.
gnomAD v4.1: 5 of 1,608,594 alleles (0.00031%); highest among the groups gnomAD compares: Admixed American, 0.005%; no homozygotes.

Submission:

Labcorp Genetics (formerly Invitae), Labcorp
Classification: Uncertain significance for Charcot-Marie-Tooth disease type 2R. Last evaluated: 2020-01-19. Review status: criteria provided, single submitter. Criteria: Invitae Variant Classification Sherloc (09022015). Collection method: clinical testing. Allele origin: germline.
Comment: In summary, the available evidence is currently insufficient to determine the role of this variant in disease. Therefore, it has been classified as a Variant of Uncertain Significance. Algorithms developed to predict the effect of missense changes on protein structure and function are either unavailable or do not agree on the potential impact of this missense change (SIFT: "Deleterious"; PolyPhen-2: "Benign"; Align-GVGD: "Class C45"). This variant has not been reported in the literature in individuals with TRIM2-related conditions. This variant is present in population databases (rs745623327, ExAC 0.009%). This sequence change replaces glutamine with lysine at codon 168 of the TRIM2 protein (p.Gln168Lys). The glutamine residue is highly conserved and there is a small physicochemical difference between glutamine and lysine.

NM_015271.5(TRIM2):c.583C>A (p.Gln195Lys)

Gene: TRIM2 (tripartite motif containing 2; plus strand). Cytogenetic location: 4q31.3.
Variant type: single nucleotide variant.
Coding change: c.583C>A on transcript NM_015271.5 (MANE Select); coding-DNA position 583, C replaced by A.
Protein change: p.Gln195Lys; replaces glutamine 195 with lysine.
Molecular consequence: missense variant. On other transcripts: intron variant (2).
Genome position (GRCh38, 1-based): chr4:153,293,111, C>A. VCF-style: chr4-153293111-C-A. GRCh37 (hg19) VCF-style: chr4-154214263-C-A.
Other names: c.502C>A, p.Gln168Lys (NM_001130067.2, NM_001351056.2, NM_001375512.1 and 5 more transcripts); c.556C>A, p.Gln186Lys (NM_001351054.2); c.553C>A, p.Gln185Lys (NM_001351055.2); c.127C>A, p.Gln43Lys (NM_001351057.2); c.676C>A, p.Gln226Lys (NM_001375488.1); c.673C>A, p.Gln225Lys (NM_001375489.1); c.583C>A, p.Gln195Lys (NM_001375490.1); c.580C>A, p.Gln194Lys (NM_001375491.1); and 3 more; short protein forms Q168K, Q185K, Q186K, Q194K, Q195K, Q225K, Q226K, Q43K.
Identifiers: ClinVar variation 1000483 (VCV001000483.8), dbSNP rs745623327, ClinGen allele CA3108574.